The following is an entry in ClinVar:

NM_020975.6(RET):c.235C>A (p.Arg79=)

Gene: RET (ret proto-oncogene; plus strand). Cytogenetic location: 10q11.21.
Variant type: single nucleotide variant.
Coding change: c.235C>A on transcript NM_020975.6 (MANE Select); coding-DNA position 235, C replaced by A.
Protein change: p.Arg79=; no amino-acid change (arginine 79 retained).
Molecular consequence: synonymous variant. On other transcripts: intron variant (4).
Genome position (GRCh38, 1-based): chr10:43,100,620, C>A. VCF-style: chr10-43100620-C-A. GRCh37 (hg19) VCF-style: chr10-43596068-C-A.
Other names: c.235C>A, p.Arg79= (NM_000323.2, NM_001406743.1, NM_001406744.1 and 34 more transcripts); c.74-8411C>A (NM_001406784.1); c.74-11479C>A (NM_001406794.1, NM_001406792.1, NM_001406793.1).
Identifiers: ClinVar variation 1790127 (VCV001790127.3), dbSNP rs537523906, ClinGen allele CA469490667.

ClinVar aggregate classification (germline): Likely benign. Review status: criteria provided, multiple submitters, no conflicts (2 of 4 stars). 2 submissions from 2 submitters: Likely benign (2). Last evaluated 2024-05-30.

Conditions:
Multiple endocrine neoplasia, type 2 (MEN2). Identifiers: Orphanet 653, MedGen C4048306, MONDO:0019003. Disease mechanism: gain of function.
Hereditary cancer-predisposing syndrome. Also called: Hereditary Cancer Syndrome; Hereditary neoplastic syndrome; Tumor predisposition; Neoplastic Syndromes, Hereditary. Identifiers: Orphanet 140162, MedGen C0027672, MeSH D009386, MONDO:0015356.

Submissions (2):

All of Us Research Program, National Institutes of Health
Classification: Likely benign for Multiple endocrine neoplasia, type 2. Last evaluated: 2024-05-30. Review status: criteria provided, single submitter. Criteria: ACMG Guidelines, 2015. Collection method: clinical testing. Allele origin: germline. Inheritance: Autosomal dominant inheritance. Observed: 1 variant allele, 1 heterozygote.
Comment: This study involves interpretation of variants in research participants for the purpose of population health screening. Participant phenotype was not available at the time of variant classification. Additional details can be found in publication PMID: 35346344, PMCID: PMC8962531

Ambry Genetics
Classification: Likely benign for Hereditary cancer-predisposing syndrome. Last evaluated: 2020-09-13. Review status: criteria provided, single submitter. Criteria: Ambry Variant Classification Scheme 2023. Collection method: clinical testing. Allele origin: germline.